The following is an entry in ClinVar:

ClinVar aggregate classification (germline): Uncertain significance (1 of 4 stars; one submission).

Conditions:
Fetal akinesia deformation sequence 1 (FADS1). Also called: Pena-Shokeir syndrome type I; Fetal akinesia sequence. Identifiers: Orphanet 994, MedGen C1276035, MONDO:0100101, OMIM 208150, HP:0001989.
Congenital myasthenic syndrome 11. Also called: MYASTHENIC SYNDROME, CONGENITAL, Ie; Myasthenic syndrome, congenital, 11, associated with acetylcholine receptor deficiency. Identifiers: Orphanet 590, MedGen C4225367, MONDO:0014588, OMIM 616326.

Submission:

Labcorp Genetics (formerly Invitae), Labcorp
Classification: Uncertain significance for Congenital myasthenic syndrome 11; Fetal akinesia deformation sequence 1. Last evaluated: 2018-04-29. Review status: criteria provided, single submitter. Criteria: Invitae Variant Classification Sherloc (09022015). Collection method: clinical testing. Allele origin: germline.
Comment: This sequence change replaces glutamine with glutamic acid at codon 69 of the RAPSN protein (p.Gln69Glu). The glutamine residue is highly conserved and there is a small physicochemical difference between glutamine and glutamic acid. In summary, the available evidence is currently insufficient to determine the role of this variant in disease. Therefore, it has been classified as a Variant of Uncertain Significance. Algorithms developed to predict the effect of missense changes on protein structure and function do not agree on the potential impact of this missense change (SIFT: "Deleterious"; PolyPhen-2: "Probably Damaging"; Align-GVGD: "Class C0"). This variant has not been reported in the literature in individuals with RAPSN-related disease. This variant is not present in population databases (ExAC no frequency).

NM_005055.5(RAPSN):c.205C>G (p.Gln69Glu)

Gene: RAPSN (receptor associated protein of the synapse; minus strand). Cytogenetic location: 11p11.2.
Variant type: single nucleotide variant.
Coding change: c.205C>G on transcript NM_005055.5 (MANE Select); coding-DNA position 205, C replaced by G.
Protein change: p.Gln69Glu; replaces glutamine 69 with glutamic acid.
Molecular consequence: missense variant.
Genome position (GRCh38, 1-based): chr11:47,448,138, G>C on the plus strand (C>G on the coding strand, the complement: RAPSN is on the minus strand). VCF-style: chr11-47448138-G-C. GRCh37 (hg19) VCF-style: chr11-47469690-G-C.
Other names: c.205C>G, p.Gln69Glu (NM_032645.5); short protein forms Q69E.
Identifiers: ClinVar variation 580392 (VCV000580392.9), dbSNP rs1565688293, ClinGen allele CA380335350.